The following is an entry in ClinVar:

ClinVar aggregate classification (germline): Uncertain significance (1 of 4 stars; one submission).

Conditions:
Ullrich congenital muscular dystrophy 2 (UCMD2). Identifiers: Orphanet 75840, MedGen C4225314, MONDO:0014654, OMIM 616470.
Bethlem myopathy 2 (BTHLM2). Identifiers: Orphanet 536516, Orphanet 610, MedGen C4225313, MONDO:0034022, OMIM 616471.

Submission:

Labcorp Genetics (formerly Invitae), Labcorp
Classification: Uncertain significance for Bethlem myopathy 2; Ullrich congenital muscular dystrophy 2. Last evaluated: 2023-10-23. Review status: criteria provided, single submitter. Criteria: Invitae Variant Classification Sherloc (09022015). Collection method: clinical testing. Allele origin: germline.
Comment: This sequence change replaces glycine, which is neutral and non-polar, with arginine, which is basic and polar, at codon 1893 of the COL12A1 protein (p.Gly1893Arg). This variant is not present in population databases (gnomAD no frequency). This variant has not been reported in the literature in individuals affected with COL12A1-related conditions. Advanced modeling of protein sequence and biophysical properties (such as structural, functional, and spatial information, amino acid conservation, physicochemical variation, residue mobility, and thermodynamic stability) performed at Invitae indicates that this missense variant is expected to disrupt COL12A1 protein function with a positive predictive value of 80%. In summary, the available evidence is currently insufficient to determine the role of this variant in disease. Therefore, it has been classified as a Variant of Uncertain Significance.

NM_004370.6(COL12A1):c.5677G>C (p.Gly1893Arg)

Gene: COL12A1 (collagen type XII alpha 1 chain; minus strand). Cytogenetic location: 6q13.
Variant type: single nucleotide variant.
Coding change: c.5677G>C on transcript NM_004370.6 (MANE Select); coding-DNA position 5677, G replaced by C.
Protein change: p.Gly1893Arg; replaces glycine 1893 with arginine.
Molecular consequence: missense variant.
Genome position (GRCh38, 1-based): chr6:75,133,410, C>G on the plus strand (G>C on the coding strand, the complement: COL12A1 is on the minus strand). VCF-style: chr6-75133410-C-G. GRCh37 (hg19) VCF-style: chr6-75843126-C-G.
Other names: c.5677G>C, p.Gly1893Arg (NM_001424113.1); c.5656G>C, p.Gly1886Arg (NM_001424114.1); c.5404G>C, p.Gly1802Arg (NM_001424115.1); c.2185G>C, p.Gly729Arg (NM_001424116.1, NM_080645.3); short protein forms G1893R, G1802R, G1886R, G729R.
Identifiers: ClinVar variation 2953010 (VCV002953010.3), dbSNP rs373739940, ClinGen allele CA364734419.
Genomic context (GRCh38, chr6:75,133,410, plus strand): 5'-CAGTCACAGTGTATGAGGTATCTGGCTGCAGATTCCTAAGAATGGCATAATTGGTATTCC[C>G]GGGGATTGGTACCTAAAGATTTTAATAAAACAAAAAGCATTGACTTGAAAAATTTGTGAA-3'
Protein context (NP_004361.3, residues 1883-1903): GGPEELVPIP[Gly1893Arg]NTNYAILRNL